The following is an entry in ClinVar:

NM_020297.4(ABCC9):c.1069C>T (p.Leu357Phe)

Gene: ABCC9 (ATP binding cassette subfamily C member 9; minus strand). Cytogenetic location: 12p12.1.
Variant type: single nucleotide variant.
Coding change: c.1069C>T on transcript NM_020297.4 (MANE Select); coding-DNA position 1069, C replaced by T.
Protein change: p.Leu357Phe; replaces leucine 357 with phenylalanine.
Molecular consequence: missense variant.
Genome position (GRCh38, 1-based): chr12:21,910,921, G>A on the plus strand (C>T on the coding strand, the complement: ABCC9 is on the minus strand). VCF-style: chr12-21910921-G-A. GRCh37 (hg19) VCF-style: chr12-22063855-G-A.
Other names: c.1069C>T, p.Leu357Phe (NM_001377273.1, NM_005691.4); c.205C>T, p.Leu69Phe (NM_001377274.1); short protein forms L69F, L357F.
Identifiers: ClinVar variation 2062690 (VCV002062690.4), dbSNP rs2541677952, ClinGen allele CA384119934.

ClinVar aggregate classification (germline): Uncertain significance (1 of 4 stars; one submission).

Conditions:
Dilated cardiomyopathy 1O (CMD1O). Also called: CARDIOMYOPATHY, DILATED, WITH VENTRICULAR TACHYCARDIA. Identifiers: Orphanet 154, MedGen C1837839, MONDO:0012062, OMIM 608569.

Allele frequency attached by ClinVar (database versions not stated): gnomAD exomes below 0.00001.

Submission:

Labcorp Genetics (formerly Invitae), Labcorp
Classification: Uncertain significance for Dilated cardiomyopathy 1O. Last evaluated: 2022-11-01. Review status: criteria provided, single submitter. Criteria: Invitae Variant Classification Sherloc (09022015). Collection method: clinical testing. Allele origin: germline.
Comment: In summary, the available evidence is currently insufficient to determine the role of this variant in disease. Therefore, it has been classified as a Variant of Uncertain Significance. Advanced modeling of protein sequence and biophysical properties (such as structural, functional, and spatial information, amino acid conservation, physicochemical variation, residue mobility, and thermodynamic stability) performed at Invitae indicates that this missense variant is expected to disrupt ABCC9 protein function. This variant has not been reported in the literature in individuals affected with ABCC9-related conditions. This variant is not present in population databases (gnomAD no frequency). This sequence change replaces leucine, which is neutral and non-polar, with phenylalanine, which is neutral and non-polar, at codon 357 of the ABCC9 protein (p.Leu357Phe).